The following is an entry in ClinVar:

ClinVar aggregate classification (germline): Uncertain significance. Review status: criteria provided, multiple submitters, no conflicts (2 of 4 stars). 4 submissions from 4 submitters: Uncertain significance (4). Last evaluated 2024-10-18.

Conditions:
Long QT syndrome (LQTS). Identifiers: MedGen C0023976, MeSH D008133, MONDO:0002442. Disease mechanism: loss of function. Inheritance: Various modes of inheritance.

Allele frequency attached by ClinVar (database versions not stated): TOPMed below 0.00001; gnomAD 0.00001.
gnomAD v4.1: 3 of 1,614,068 alleles (0.00019%); highest among the groups gnomAD compares: African/African-American, 0.0027%; no homozygotes.

Submissions (4):

Labcorp Genetics (formerly Invitae), Labcorp
Classification: Uncertain significance for Long QT syndrome. Last evaluated: 2024-10-18. Review status: criteria provided, single submitter. Criteria: Invitae Variant Classification Sherloc (09022015). Collection method: clinical testing. Allele origin: germline.
Comment: This sequence change replaces alanine, which is neutral and non-polar, with valine, which is neutral and non-polar, at codon 504 of the ANK2 protein (p.Ala504Val). This variant is not present in population databases (gnomAD no frequency). This variant has not been reported in the literature in individuals affected with ANK2-related conditions. ClinVar contains an entry for this variant (Variation ID: 439404). Invitae Evidence Modeling of protein sequence and biophysical properties (such as structural, functional, and spatial information, amino acid conservation, physicochemical variation, residue mobility, and thermodynamic stability) indicates that this missense variant is expected to disrupt ANK2 protein function with a positive predictive value of 80%. In summary, the available evidence is currently insufficient to determine the role of this variant in disease. Therefore, it has been classified as a Variant of Uncertain Significance.

GeneDx
Classification: Uncertain significance. Last evaluated: 2022-12-09. Review status: criteria provided, single submitter. Criteria: GeneDx Variant Classification Process June 2021. Collection method: clinical testing. Allele origin: germline. Affected: yes.
Comment: Reported as p.(Ala536Val) using alternate nomenclature and identified in a patient with a neurodevelopmental disorder in published literature, however, additional clinical information and familial segregation data were not included (Stessman et al., 2017); Not observed at significant frequency in large population cohorts (gnomAD); In silico analysis supports that this missense variant has a deleterious effect on protein structure/function; This variant is associated with the following publications: (PMID: 33004838, 28191889)

AiLife Diagnostics
Classification: Uncertain significance. Last evaluated: 2021-07-20. Review status: criteria provided, single submitter. Criteria: ACMG Guidelines, 2015. Collection method: clinical testing. Allele origin: germline. Affected: yes. Observed: 1 variant allele.

ARUP Laboratories, Molecular Genetics and Genomics, ARUP Laboratories
Classification: Uncertain significance. Last evaluated: 2016-12-21. Review status: criteria provided, single submitter. Criteria: ARUP Molecular Germline Variant Investigation Process. Collection method: clinical testing. Allele origin: germline.

Literature cited by the submitters: PubMed 28191889 (cited by AiLife Diagnostics).

NM_001148.6(ANK2):c.1511C>T (p.Ala504Val)

Gene: ANK2 (ankyrin 2; plus strand). Cytogenetic location: 4q26.
Variant type: single nucleotide variant.
Coding change: c.1511C>T on transcript NM_001148.6 (MANE Select); coding-DNA position 1511, C replaced by T.
Protein change: p.Ala504Val; replaces alanine 504 with valine.
Molecular consequence: missense variant.
Genome position (GRCh38, 1-based): chr4:113,274,477, C>T. VCF-style: chr4-113274477-C-T. GRCh37 (hg19) VCF-style: chr4-114195633-C-T.
Other names: c.1511C>T (NM_001148.4); c.1511C>T, p.Ala504Val (NM_001354236.2, NM_001354258.2, NM_001354265.2 and 8 more transcripts); c.1556C>T, p.Ala519Val (NM_001354237.2, NM_001354240.2, NM_001386144.1 and 5 more transcripts); c.1448C>T, p.Ala483Val (NM_001354239.2, NM_001354255.2, NM_001354256.2 and 14 more transcripts); c.1424C>T, p.Ala475Val (NM_001354260.2, NM_001354264.2, NM_001354276.2 and 13 more transcripts); c.1469C>T, p.Ala490Val (NM_001354261.2, NM_001386147.1, NM_001386160.1); c.1226C>T, p.Ala409Val (NM_001354277.2, NM_001386157.1, NM_001386158.1); c.1499C>T, p.Ala500Val (NM_001386148.2, NM_001386186.2); and 5 more; short protein forms A483V, A504V, A434V, A490V, A409V, A438V, A475V, A519V.
Identifiers: ClinVar variation 439404 (VCV000439404.13), dbSNP rs1303233267, ClinGen allele CA357906576.